The following is an entry in ClinVar:

ClinVar aggregate classification (germline): Uncertain significance (1 of 4 stars; one submission).

Conditions:
Tuberous sclerosis 2 (TSC2). Identifiers: Orphanet 805, MedGen C1860707, MONDO:0013199, OMIM 613254.

Submission:

Labcorp Genetics (formerly Invitae), Labcorp
Classification: Uncertain significance for Tuberous sclerosis 2. Last evaluated: 2024-02-01. Review status: criteria provided, single submitter. Criteria: Invitae Variant Classification Sherloc (09022015). Collection method: clinical testing. Allele origin: germline.
Comment: This sequence change replaces valine, which is neutral and non-polar, with alanine, which is neutral and non-polar, at codon 692 of the TSC2 protein (p.Val692Ala). This variant is not present in population databases (gnomAD no frequency). This variant has not been reported in the literature in individuals affected with TSC2-related conditions. Advanced modeling of protein sequence and biophysical properties (such as structural, functional, and spatial information, amino acid conservation, physicochemical variation, residue mobility, and thermodynamic stability) performed at Invitae indicates that this missense variant is not expected to disrupt TSC2 protein function with a negative predictive value of 95%. In summary, the available evidence is currently insufficient to determine the role of this variant in disease. Therefore, it has been classified as a Variant of Uncertain Significance.

NM_000548.5(TSC2):c.2075T>C (p.Val692Ala)

Gene: TSC2 (TSC complex subunit 2; plus strand). Cytogenetic location: 16p13.3.
Variant type: single nucleotide variant.
Coding change: c.2075T>C on transcript NM_000548.5 (MANE Select); coding-DNA position 2075, T replaced by C.
Protein change: p.Val692Ala; replaces valine 692 with alanine.
Molecular consequence: missense variant. On other transcripts: non-coding transcript variant (5).
Genome position (GRCh38, 1-based): chr16:2,071,912, T>C. VCF-style: chr16-2071912-T-C. GRCh37 (hg19) VCF-style: chr16-2121913-T-C.
Other names: c.1964T>C, p.Val655Ala (NM_001406670.1, NM_001406678.1, NM_001318827.2); c.2063T>C, p.Val688Ala (NM_001406671.1, NM_001406673.1); c.1928T>C, p.Val643Ala (NM_001406675.1, NM_001406676.1, NM_001406679.1 and 1 more transcripts); c.2018T>C, p.Val673Ala (NM_001406677.1); c.1475T>C, p.Val492Ala (NM_001406680.1, NM_001318831.2, NM_001406682.1 and 6 more transcripts); c.1613T>C, p.Val538Ala (NM_001406681.1); c.2075T>C, p.Val692Ala (NM_001077183.3, NM_001114382.3, NM_001363528.2 and 6 more transcripts); c.2108T>C, p.Val703Ala (NM_001318832.2); and 3 more; short protein forms V244A, V492A, V703A, V158A, V538A, V643A, V655A, V673A.
Identifiers: ClinVar variation 2812913 (VCV002812913.3), dbSNP rs2151308291, ClinGen allele CA394274692.